The following is an entry in ClinVar:

NM_005909.5(MAP1B):c.2210A>C (p.Lys737Thr)

Gene: MAP1B (microtubule associated protein 1B; plus strand). Cytogenetic location: 5q13.2.
Variant type: single nucleotide variant.
Coding change: c.2210A>C on transcript NM_005909.5 (MANE Select); coding-DNA position 2210, A replaced by C.
Protein change: p.Lys737Thr; replaces lysine 737 with threonine.
Molecular consequence: missense variant.
Genome position (GRCh38, 1-based): chr5:72,195,565, A>C. VCF-style: chr5-72195565-A-C. GRCh37 (hg19) VCF-style: chr5-71491392-A-C.
Other names: c.1832A>C, p.Lys611Thr (NM_001324255.2); short protein forms K611T, K737T.
Identifiers: ClinVar variation 4681132 (VCV004681132.1).

ClinVar aggregate classification (germline): Uncertain significance (1 of 4 stars; one submission).

gnomAD v4.1: 1 of 1,611,810 alleles (0.000062%); highest among the groups gnomAD compares: African/African-American, 0.0013%; no homozygotes.

Submission:

GeneDx
Classification: Uncertain significance. Last evaluated: 2025-07-02. Review status: criteria provided, single submitter. Criteria: GeneDx Variant Classification Process June 2021. Collection method: clinical testing. Allele origin: germline. Affected: yes.
Comment: Not observed at significant frequency in large population cohorts (gnomAD); In silico analysis suggests that this missense variant does not alter protein structure/function; Has not been previously published as pathogenic or benign to our knowledge